The following continues an entry in ClinVar:

NM_000435.3(NOTCH3):c.544C>T (p.Arg182Cys)

Gene: NOTCH3. ClinVar aggregate classification (germline): Pathogenic. Pathogenic (18).

Submissions 11 to 22 of 22:

Mayo Clinic Laboratories, Mayo Clinic
Classification: Pathogenic. Last evaluated: 2023-08-18. Review status: criteria provided, single submitter. Criteria: ACMG Guidelines, 2015. Collection method: clinical testing. Allele origin: germline. Observed: 9 variant alleles.
Comment: PP2, PP3, PP4, PM1, PS2, PS3, PS4

Clinical Genetics Laboratory, Skane University Hospital Lund
Classification: Pathogenic. Last evaluated: 2023-05-23. Review status: criteria provided, single submitter. Criteria: ACMG Guidelines, 2015. Collection method: clinical testing. Allele origin: germline. Affected: yes.

Athena Diagnostics
Classification: Pathogenic. Last evaluated: 2022-12-01. Review status: criteria provided, single submitter. Criteria: Athena Diagnostics Criteria. Collection method: clinical testing. Allele origin: unknown.
Comment: The frequency of this variant in the general population is consistent with pathogenicity. This variant has been identified in multiple unrelated individuals with clinical features of CADASIL, including at least one confirmed de novo. This variant alters a critical location within the protein, and is expected to severely affect function and cause disease. Greater than 90% of NOTCH3 pathogenic variants associated with CADASIL involve the gain or loss of a cysteine residue within the epidermal growth factor (EGF)-like repeat domain (PMID: 32457593, 20301673).

Genetics and Molecular Pathology, SA Pathology
Classification: Pathogenic for Cerebral arteriopathy, autosomal dominant, with subcortical infarcts and leukoencephalopathy, type 1. Last evaluated: 2022-11-04. Review status: criteria provided, single submitter. Criteria: ACMG Guidelines, 2015. Collection method: clinical testing. Allele origin: germline. Inheritance: Autosomal dominant inheritance. Affected: yes.
Comment: The NOTCH3 c.544C>T variant is classified as PATHOGENIC (PS4, PM2_Supporting, PS2_supporting, PM1_Strong, PP3_moderate) The NOTCH3 c.544C>T variant is a single nucleotide change in exon 4/33 of the NOTCH3 gene, which is predicted to change the amino acid arginine at position 182 in the protein to cysteine. The variant has been reported in multiple individuals with a clinical presentation of CADASIL (PMID: 9388399, 15364702) (PS4) and is rare in population databases (PM2-supp). This variant has been reported in one affected patient with no family history of this condition (PMID:10716263) (PS2_supporting). This variant is located in the EGF-like 4 domain and results in a gain of a cysteine residue (PM1-strong). Computational predictions moderately support a deleterious effect on the gene or gene product (PP3_moderate). This variant is in dbSNP (rs28933697), has been reported as Pathogenic by other diagnostic laboratories (ClinVar Variation ID:9220) and has been reported as disease-causing in HGMD (CM961044). This variant has been listed 8 times on the NOTCH3 LOVD

MGZ Medical Genetics Center
Classification: Pathogenic for Cerebral arteriopathy, autosomal dominant, with subcortical infarcts and leukoencephalopathy, type 1. Last evaluated: 2022-08-12. Review status: criteria provided, single submitter. Criteria: ACMG Guidelines, 2015. Collection method: clinical testing. Allele origin: germline. Affected: yes. Observed: 5 variant alleles.
Comment: ACMG criteria applied: PM1_STR, PM6, PS3_SUP, PM2_SUP, PP2, PP3

GeneDx
Classification: Pathogenic. Last evaluated: 2022-07-12. Review status: criteria provided, single submitter. Criteria: GeneDx Variant Classification Process June 2021. Collection method: clinical testing. Allele origin: germline. Affected: yes.
Comment: Observed in multiple unrelated patients with clinical features of CADASIL referred for genetic testing at GeneDx and in published literature (Joutel et al., 2000; Dichgans et al., 2000; Escary et al., 2000; Joutel et al., 2001; Singhal et al., 2004; Opherk et al., 2004; Peters et al., 2005; Wang et al., 2011; Chen et al., 2017; Mizuta et al., 2017; Paraskevas et al., 2018); Published functional studies demonstrate recapitulation of CADASIL phenotypes in a transgenic mouse model (Rutten et al., 2015); In silico analysis supports that this missense variant has a deleterious effect on protein structure/function; This variant is associated with the following publications: (PMID: 27781952, 14618173, 11755616, 15364702, 34335700, 17323840, 8878478, 28717674, 16796587, 29706439, 9388399, 16009764, 10371548, 27350778, 15229130, 11102981, 12810003, 20935329, 26856460, 28710804, 28991717, 33942994, 32277177, 24844136, 10854111, 10716263, 26715087)

Institute of Human Genetics, University of Leipzig Medical Center
Classification: Pathogenic for Cerebral arteriopathy, autosomal dominant, with subcortical infarcts and leukoencephalopathy, type 1. Last evaluated: 2021-08-11. Review status: criteria provided, single submitter. Criteria: ACMG Guidelines, 2015. Collection method: clinical testing. Allele origin: germline. Affected: yes.

Institute of Medical Genetics and Applied Genomics, University Hospital Tübingen
Classification: Pathogenic. Last evaluated: 2020-10-23. Review status: criteria provided, single submitter. Criteria: ACMG Guidelines, 2015. Collection method: clinical testing. Allele origin: germline. Inheritance: Unknown mechanism. Affected: yes.

PreventionGenetics, part of Exact Sciences
Classification: Pathogenic for NOTCH3-related condition. Last evaluated: 2024-09-04. Review status: no assertion criteria provided. Collection method: clinical testing. Allele origin: germline. Not counted in ClinVar's aggregate classification.
Comment: The NOTCH3 c.544C>T variant is predicted to result in the amino acid substitution p.Arg182Cys. This variant has been reported in numerous patients affected with CADASIL and is one of the most common pathogenic variants in this gene (Opherk et al. 2004. PubMed ID: 15364702; Peters et al. 2005. PubMed ID: 16009764). Most CADASIL causing variants in the NOTCH3 gene result in the gain or loss of one or more cysteine residues in the extracellular domain of the protein, as seen in this patient. This patient’s variant results in a cysteine residue addition, and is located in the extracellular EGFr-like domain four. Pathogenic variants in EGFr domains 1-6 appear to be fully penetrant and are usually associated with the classical CADASIL phenotype. However, there is variability in disease severity (OMIM #125310; Rutten et al. 2016. PubMed ID: 27844030; Rutten et al. 2019. PubMed ID: 30032161). This variant is reported in 0.0065% of alleles in individuals of European (Non-Finnish) descent in gnomAD. This variant is interpreted as pathogenic.

OMIM
Classification: Pathogenic for CEREBRAL ARTERIOPATHY, AUTOSOMAL DOMINANT, WITH SUBCORTICAL INFARCTS AND LEUKOENCEPHALOPATHY, TYPE 1. Last evaluated: 2000-03-01. Review status: no assertion criteria provided. Collection method: literature only. Allele origin: germline. Not counted in ClinVar's aggregate classification.

Joint Genome Diagnostic Labs from Nijmegen and Maastricht, Radboudumc and MUMC+
Classification: Pathogenic. Review status: no assertion criteria provided. Collection method: clinical testing. Allele origin: germline. Affected: yes. Study: VKGL Data-share Consensus. Not counted in ClinVar's aggregate classification.

Laboratory of Diagnostic Genome Analysis, Leiden University Medical Center (LUMC)
Classification: Likely pathogenic. Review status: no assertion criteria provided. Collection method: clinical testing. Allele origin: germline. Affected: yes. Study: VKGL Data-share Consensus. Not counted in ClinVar's aggregate classification.

Literature cited by the submitters: PubMed 12395806 (cited by Labcorp Genetics (formerly Invitae), Labcorp and Variantyx, Inc.); PubMed 16009764 (cited by 4 submitters); PubMed 26912635 (cited by Dasa); PubMed 10854111 (cited by Dasa and Athena Diagnostics); PubMed 9388399 (cited by 5 submitters); PubMed 10716263 (cited by 5 submitters); PubMed 24579972 (cited by Dasa); PubMed 26308724 (cited by Victorian Clinical Genetics Services, Murdoch Childrens Research Institute); PubMed 20301673 (cited by Victorian Clinical Genetics Services, Murdoch Childrens Research Institute); PubMed 11755616 (cited by Mayo Clinic Laboratories, Mayo Clinic and Athena Diagnostics); PubMed 26715087 (cited by Mayo Clinic Laboratories, Mayo Clinic and Athena Diagnostics); PubMed 27350778 (cited by Athena Diagnostics); PubMed 8878478 (cited by Athena Diagnostics and OMIM); PubMed 10371548 (cited by Athena Diagnostics); PubMed 11102981 (cited by Athena Diagnostics); PubMed 15229130 (cited by Athena Diagnostics); PubMed 15364702 (cited by Athena Diagnostics and Genetics and Molecular Pathology, SA Pathology); PubMed 17323840 (cited by Athena Diagnostics).